The following is an entry in ClinVar:

ClinVar aggregate classification (germline): Benign (0 of 4 stars; one submission).

Conditions:
FSIP2-related disorder. Also called: FSIP2-related condition.

Allele frequency attached by ClinVar (database versions not stated): gnomAD exomes 0.00067; ExAC 0.00162; gnomAD 0.00737; 1000 Genomes Project 30x 0.00765; 1000 Genomes Project 0.00779; TOPMed 0.00796.
gnomAD v4.1: 2,084 of 1,529,512 alleles (0.14%); highest among the groups gnomAD compares: African/African-American, 2.6%; 20 homozygotes.

Submission:

PreventionGenetics, part of Exact Sciences
Classification: Benign for FSIP2-related condition. Last evaluated: 2019-06-07. Review status: no assertion criteria provided. Collection method: clinical testing. Allele origin: germline.
Comment: This variant is classified as benign based on ACMG/AMP sequence variant interpretation guidelines (Richards et al. 2015 PMID: 25741868, with internal and published modifications).

NM_173651.4(FSIP2):c.12402T>C (p.Tyr4134=)

Gene: FSIP2 (fibrous sheath interacting protein 2; plus strand). Cytogenetic location: 2q32.1.
Variant type: single nucleotide variant.
Coding change: c.12402T>C on transcript NM_173651.4 (MANE Select); coding-DNA position 12402, T replaced by C.
Protein change: p.Tyr4134=; no amino-acid change (tyrosine 4134 retained).
Molecular consequence: synonymous variant.
Genome position (GRCh38, 1-based): chr2:185,801,708, T>C. VCF-style: chr2-185801708-T-C. GRCh37 (hg19) VCF-style: chr2-186666435-T-C.
Identifiers: ClinVar variation 3044465 (VCV003044465.2), dbSNP rs56821185, ClinGen allele CA2017005.